The following is an entry in ClinVar:

ClinVar aggregate classification (germline): Likely benign (1 of 4 stars; one submission).

Allele frequency attached by ClinVar (database versions not stated): gnomAD exomes 0.00226; ExAC 0.00558; 1000 Genomes Project 0.00040; gnomAD 0.00189; 1000 Genomes Project 30x 0.00219.
gnomAD v4.1: 3,285 of 1,445,672 alleles (0.23%); highest among the groups gnomAD compares: Admixed American, 0.32%; 13 homozygotes.

Submission:

CeGaT Center for Human Genetics Tuebingen
Classification: Likely benign. Last evaluated: 2024-03-01. Review status: criteria provided, single submitter. Criteria: CeGaT Center For Human Genetics Tuebingen Variant Classification Criteria Version 2. Collection method: clinical testing. Allele origin: germline. Affected: yes. Observed: 1 variant allele.
Comment: TMEM191B: BS1

NM_001242313.1(TMEM191B):c.420+1G>T

Gene: TMEM191B (transmembrane protein 191B; plus strand). Cytogenetic location: 22q11.21.
Variant type: single nucleotide variant.
Coding change: c.420+1G>T on transcript NM_001242313.1 (MANE Select); the canonical splice donor site of the intron after coding-DNA position 420, G replaced by T.
Molecular consequence: splice donor variant.
Genome position (GRCh38, 1-based): chr22:18,528,683, G>T. VCF-style: chr22-18528683-G-T. GRCh37 (hg19) VCF-style: chr22-20378550-G-T.
Identifiers: ClinVar variation 3067264 (VCV003067264.21), dbSNP rs532634267, ClinGen allele CA10110112.
Genomic context (GRCh38, chr22:18,528,683, plus strand): 5'-GAGCGCGCGGAGCGGGTGCGCAGAAGACTGGAGGAGGCGGAGCGCCACAAGGAGGACTTG[G>T]TGAGGAAGAGTCCTAGAATGGGGCTGGACCCAGGGTGGGGTGAGGCAGGGCGGGCGGAAG-3'